The following is an entry in ClinVar:

ClinVar aggregate classification (germline): Uncertain significance (1 of 4 stars; one submission).

Conditions:
Hereditary spastic paraplegia. Also called: Familial spastic paraparesis. Identifiers: Orphanet 685, MedGen C0037773, MONDO:0019064. Disease mechanism: loss of function.

gnomAD v4.1: 3 of 1,614,014 alleles (0.00019%); highest among the groups gnomAD compares: Non-Finnish European, 0.00017%; no homozygotes.

Submission:

Labcorp Genetics (formerly Invitae), Labcorp
Classification: Uncertain significance for Hereditary spastic paraplegia. Last evaluated: 2025-04-23. Review status: criteria provided, single submitter. Criteria: Invitae Variant Classification Sherloc (09022015). Collection method: clinical testing. Allele origin: germline.
Comment: This sequence change replaces isoleucine, which is neutral and non-polar, with valine, which is neutral and non-polar, at codon 394 of the USP8 protein (p.Ile394Val). This variant is present in population databases (no rsID available, gnomAD 0.0009%). This variant has not been reported in the literature in individuals affected with USP8-related conditions. An algorithm developed to predict the effect of missense changes on protein structure and function outputs the following: PolyPhen-2: "Benign". The valine amino acid residue is found in multiple mammalian species, which suggests that this missense change does not adversely affect protein function. In summary, the available evidence is currently insufficient to determine the role of this variant in disease. Therefore, it has been classified as a Variant of Uncertain Significance.

NM_005154.5(USP8):c.1180A>G (p.Ile394Val)

Gene: USP8 (ubiquitin specific peptidase 8; plus strand). Cytogenetic location: 15q21.2.
Variant type: single nucleotide variant.
Coding change: c.1180A>G on transcript NM_005154.5 (MANE Select); coding-DNA position 1180, A replaced by G.
Protein change: p.Ile394Val; replaces isoleucine 394 with valine.
Molecular consequence: missense variant.
Genome position (GRCh38, 1-based): chr15:50,477,461, A>G. VCF-style: chr15-50477461-A-G. GRCh37 (hg19) VCF-style: chr15-50769658-A-G.
Other names: c.1180A>G, p.Ile394Val (NM_001128610.3); c.949A>G, p.Ile317Val (NM_001283049.2); short protein forms I394V, I317V.
Identifiers: ClinVar variation 4738146 (VCV004738146.1).